The following is an entry in ClinVar:

NM_022915.5(MRPL44):c.430G>A (p.Glu144Lys)

Gene: MRPL44 (mitochondrial ribosomal protein L44; plus strand). Cytogenetic location: 2q36.1.
Variant type: single nucleotide variant.
Coding change: c.430G>A on transcript NM_022915.5 (MANE Select); coding-DNA position 430, G replaced by A.
Protein change: p.Glu144Lys; replaces glutamic acid 144 with lysine.
Molecular consequence: missense variant.
Genome position (GRCh38, 1-based): chr2:223,959,784, G>A. VCF-style: chr2-223959784-G-A. GRCh37 (hg19) VCF-style: chr2-224824501-G-A.
Other names: short protein forms E144K.
Identifiers: ClinVar variation 2968951 (VCV002968951.2), dbSNP rs541910635, ClinGen allele CA65896653.
Genomic context (GRCh38, chr2:223,959,784, plus strand): 5'-GAACTATCCGAACAAGGGACATCTTTTTCACAGACTTGCCTTACACAGTTTCTTGAAGAC[G>A]AGTACCCAGACATGCCCACTGAAGGCATAAAAAATCTTGTTGACTTTCTCACTGGTGAGG-3'
Protein context (NP_075066.1, residues 134-154): QTCLTQFLED[Glu144Lys]YPDMPTEGIK

ClinVar aggregate classification (germline): Uncertain significance (1 of 4 stars; one submission).

Allele frequency attached by ClinVar (database versions not stated): gnomAD exomes 0.00002; gnomAD 0.00004; TOPMed 0.00005; 1000 Genomes Project 30x 0.00016; 1000 Genomes Project 0.00020.

Submission:

Labcorp Genetics (formerly Invitae), Labcorp
Classification: Uncertain significance. Last evaluated: 2024-12-03. Review status: criteria provided, single submitter. Criteria: Invitae Variant Classification Sherloc (09022015). Collection method: clinical testing. Allele origin: germline.
Comment: This sequence change replaces glutamic acid, which is acidic and polar, with lysine, which is basic and polar, at codon 144 of the MRPL44 protein (p.Glu144Lys). This variant is present in population databases (rs541910635, gnomAD 0.008%). This variant has not been reported in the literature in individuals affected with MRPL44-related conditions. ClinVar contains an entry for this variant (Variation ID: 2968951). Invitae Evidence Modeling of protein sequence and biophysical properties (such as structural, functional, and spatial information, amino acid conservation, physicochemical variation, residue mobility, and thermodynamic stability) indicates that this missense variant is not expected to disrupt MRPL44 protein function with a negative predictive value of 80%. In summary, the available evidence is currently insufficient to determine the role of this variant in disease. Therefore, it has been classified as a Variant of Uncertain Significance.